The following is an entry in ClinVar:

NM_000152.5(GAA):c.2362C>A (p.Pro788Thr)

Gene: GAA (alpha glucosidase; plus strand). Cytogenetic location: 17q25.3.
Variant type: single nucleotide variant.
Coding change: c.2362C>A on transcript NM_000152.5 (MANE Select); coding-DNA position 2362, C replaced by A.
Protein change: p.Pro788Thr; replaces proline 788 with threonine.
Molecular consequence: missense variant.
Genome position (GRCh38, 1-based): chr17:80,117,630, C>A. VCF-style: chr17-80117630-C-A. GRCh37 (hg19) VCF-style: chr17-78091429-C-A.
Other names: c.2362C>A, p.Pro788Thr (NM_001079803.3, NM_001079804.3); short protein forms P788T.
Identifiers: ClinVar variation 848022 (VCV000848022.9), dbSNP rs2039384789, ClinGen allele CA401325027.
Genomic context (GRCh38, chr17:80,117,630, plus strand): 5'-CAGAATCCTCAAAGCAACATCTCCCTCCAGGTGCCAGTAGAGGCCCTTGGCAGCCTCCCA[C>A]CCCCACCTGCAGCTCCCCGTGAGCCAGCCATCCACAGCGAGGGGCAGTGGGTGACGCTGC-3'
Protein context (NP_000143.2, residues 778-798): VPVEALGSLP[Pro788Thr]PPAAPREPAI

ClinVar aggregate classification (germline): Uncertain significance. Review status: criteria provided, multiple submitters, no conflicts (2 of 4 stars). 3 submissions from 3 submitters: Uncertain significance (2). 1 of the submissions does not count toward it. Last evaluated 2025-08-28.

Conditions:
Cardiovascular phenotype. Identifiers: MedGen CN230736.
Glycogen storage disease, type II (IOPD). Also called: Glucosidase acid-1,4-alpha deficiency; POMPE DISEASE, INFANTILE-ONSET; GLYCOGEN STORAGE DISEASE II, INFANTILE-ONSET; ACID ALPHA-GLUCOSIDASE DEFICIENCY, INFANTILE-ONSET; GAA DEFICIENCY, INFANTILE-ONSET; ACID MALTASE DEFICIENCY, INFANTILE-ONSET. Identifiers: Orphanet 365, MedGen C0017921, MONDO:0009290, OMIM 232300.

gnomAD v4.1: 15 of 1,612,052 alleles (0.00093%); highest among the groups gnomAD compares: Non-Finnish European, 0.0013%; no homozygotes.

Submissions (3):

Ambry Genetics
Classification: Uncertain significance for Cardiovascular phenotype. Last evaluated: 2025-08-28. Review status: criteria provided, single submitter. Criteria: Ambry Variant Classification Scheme 2023. Collection method: clinical testing. Allele origin: germline.
Comment: The p.P788T variant (also known as c.2362C>A), located in coding exon 16 of the GAA gene, results from a C to A substitution at nucleotide position 2362. The proline at codon 788 is replaced by threonine, an amino acid with highly similar properties. This amino acid position is conserved. In addition, this alteration is predicted to be tolerated by in silico analysis. Since supporting evidence is limited at this time, the clinical significance of this alteration remains unclear.

Labcorp Genetics (formerly Invitae), Labcorp
Classification: Uncertain significance for Glycogen storage disease, type II. Last evaluated: 2023-03-07. Review status: criteria provided, single submitter. Criteria: Invitae Variant Classification Sherloc (09022015). Collection method: clinical testing. Allele origin: germline.
Comment: In summary, the available evidence is currently insufficient to determine the role of this variant in disease. Therefore, it has been classified as a Variant of Uncertain Significance. Advanced modeling of protein sequence and biophysical properties (such as structural, functional, and spatial information, amino acid conservation, physicochemical variation, residue mobility, and thermodynamic stability) performed at Invitae indicates that this missense variant is not expected to disrupt GAA protein function. ClinVar contains an entry for this variant (Variation ID: 848022). This variant has not been reported in the literature in individuals affected with GAA-related conditions. This variant is not present in population databases (gnomAD no frequency). This sequence change replaces proline, which is neutral and non-polar, with threonine, which is neutral and polar, at codon 788 of the GAA protein (p.Pro788Thr).

Natera, Inc.
Classification: Uncertain significance for Glycogen storage disease type II. Last evaluated: 2020-09-16. Review status: no assertion criteria provided. Collection method: clinical testing. Allele origin: germline. Not counted in ClinVar's aggregate classification.